The following is an entry in ClinVar:

NM_000211.5(ITGB2):c.1576_1581del (p.Gly526_Lys527del)

Gene: ITGB2 (integrin subunit beta 2; minus strand). Cytogenetic location: 21q22.3.
Variant type: Deletion.
Coding change: c.1576_1581del on transcript NM_000211.5 (MANE Select); coding-DNA positions 1576 to 1581, 6 bases deleted (GGCAAG; older notation c.1576_1581delGGCAAG).
Protein change: p.Gly526_Lys527del.
Molecular consequence: inframe deletion.
Genome position (GRCh38, 1-based): chr21:44,890,054-44,890,059, CTTGCC deleted on the plus strand (GGCAAG on the coding strand, the reverse complement: ITGB2 is on the minus strand). VCF-style (leftmost placement, unchanged base first): chr21-44890053-GCTTGCC-G. GRCh37 (hg19) VCF-style: chr21-46309968-GCTTGCC-G.
Other names: c.1576_1581del, p.Gly526_Lys527del (NM_001127491.3); c.1369_1374del, p.Gly457_Lys458del (NM_001303238.2).
Identifiers: ClinVar variation 1004748 (VCV001004748.11), dbSNP rs2083763778, ClinGen allele CA2391874181.

ClinVar aggregate classification (germline): Uncertain significance (1 of 4 stars; one submission).

Conditions:
Leukocyte adhesion deficiency 1 (LAD1). Also called: LAD 1; Lymphocyte function-associated antigen 1 immunodeficiency; LFA 1 immunodeficiency; LEUKOCYTE ADHESION DEFICIENCY, TYPE I. Identifiers: Orphanet 2968, Orphanet 99842, MedGen C0398738, MONDO:0007293, OMIM 116920.

Submission:

Labcorp Genetics (formerly Invitae), Labcorp
Classification: Uncertain significance for Leukocyte adhesion deficiency 1. Last evaluated: 2020-01-31. Review status: criteria provided, single submitter. Criteria: Invitae Variant Classification Sherloc (09022015). Collection method: clinical testing. Allele origin: germline.
Comment: In summary, the available evidence is currently insufficient to determine the role of this variant in disease. Therefore, it has been classified as a Variant of Uncertain Significance. Experimental studies and prediction algorithms are not available or were not evaluated, and the functional significance of this variant is currently unknown. This variant has not been reported in the literature in individuals with ITGB2-related conditions. This variant is not present in population databases (ExAC no frequency). This variant, c.1576_1581del, results in the deletion of 2 amino acid(s) of the ITGB2 protein (p.Gly526_Lys527del), but otherwise preserves the integrity of the reading frame.